The following is an entry in ClinVar:

NM_001174147.2(LMX1B):c.478dup (p.Glu160fs)

Gene: LMX1B (LIM homeobox transcription factor 1 beta; plus strand). Cytogenetic location: 9q33.3.
Variant type: Duplication.
Coding change: c.478dup on transcript NM_001174147.2 (MANE Select); coding-DNA position 478, one base duplicated (G; older notation c.478dupG).
Protein change: p.Glu160fs; shifts the reading frame from glutamic acid 160.
Molecular consequence: frameshift variant.
Genome position (GRCh38, 1-based): chr9:126,690,987, G duplicated; the last of 2 consecutive G bases (chr9:126,690,986-126,690,987); duplicating either gives the same sequence. VCF-style (leftmost placement, unchanged base first): chr9-126690985-A-AG. GRCh37 (hg19) VCF-style: chr9-129453264-A-AG.
Other names: c.478dup, p.Glu160fs (NM_001174146.2, NM_002316.4); short protein forms E160fs.
Identifiers: ClinVar variation 3663574 (VCV003663574.2).

ClinVar aggregate classification (germline): Pathogenic (1 of 4 stars; one submission).

Submission:

Labcorp Genetics (formerly Invitae), Labcorp
Classification: Pathogenic. Last evaluated: 2024-08-27. Review status: criteria provided, single submitter. Criteria: Invitae Variant Classification Sherloc (09022015). Collection method: clinical testing. Allele origin: germline.
Comment: This sequence change creates a premature translational stop signal (p.Glu160Glyfs*9) in the LMX1B gene. It is expected to result in an absent or disrupted protein product. Loss-of-function variants in LMX1B are known to be pathogenic (PMID: 9590287, 15498463). This variant is not present in population databases (gnomAD no frequency). This variant has not been reported in the literature in individuals affected with LMX1B-related conditions. For these reasons, this variant has been classified as Pathogenic.

Literature cited by the submitters: PubMed 9590287; PubMed 15498463.